The following is an entry in ClinVar:

ClinVar aggregate classification (germline): Uncertain significance. Review status: criteria provided, multiple submitters, no conflicts (2 of 4 stars). 2 submissions from 2 submitters: Uncertain significance (2). Last evaluated 2025-04-01.

Conditions:
Inborn genetic diseases. Identifiers: MedGen C0950123, MeSH D030342.
Nemaline myopathy 6 (NEM6). Also called: Nemaline myopathy 6, autosomal dominant. Identifiers: Orphanet 171439, MedGen C1836472, MONDO:0012237, OMIM 609273.

Allele frequency attached by ClinVar (database versions not stated): gnomAD 0.00001; gnomAD exomes 0.00001; TOPMed 0.00001.

Submissions (2):

Ambry Genetics
Classification: Uncertain significance for Inborn genetic diseases. Last evaluated: 2025-04-01. Review status: criteria provided, single submitter. Criteria: Ambry Variant Classification Scheme 2023. Collection method: clinical testing. Allele origin: germline.

Labcorp Genetics (formerly Invitae), Labcorp
Classification: Uncertain significance for Nemaline myopathy 6. Last evaluated: 2024-02-15. Review status: criteria provided, single submitter. Criteria: Invitae Variant Classification Sherloc (09022015). Collection method: clinical testing. Allele origin: germline.
Comment: This sequence change replaces glycine, which is neutral and non-polar, with serine, which is neutral and polar, at codon 216 of the KBTBD13 protein (p.Gly216Ser). This variant is not present in population databases (gnomAD no frequency). This variant has not been reported in the literature in individuals affected with KBTBD13-related conditions. ClinVar contains an entry for this variant (Variation ID: 572083). Advanced modeling of protein sequence and biophysical properties (such as structural, functional, and spatial information, amino acid conservation, physicochemical variation, residue mobility, and thermodynamic stability) has been performed at Invitae for this missense variant, however the output from this modeling did not meet the statistical confidence thresholds required to predict the impact of this variant on KBTBD13 protein function. In summary, the available evidence is currently insufficient to determine the role of this variant in disease. Therefore, it has been classified as a Variant of Uncertain Significance.

NM_001101362.3(KBTBD13):c.646G>A (p.Gly216Ser)

Gene: KBTBD13 (kelch repeat and BTB domain containing 13; plus strand). Cytogenetic location: 15q22.31.
Variant type: single nucleotide variant.
Coding change: c.646G>A on transcript NM_001101362.3 (MANE Select); coding-DNA position 646, G replaced by A.
Protein change: p.Gly216Ser; replaces glycine 216 with serine.
Molecular consequence: missense variant.
Genome position (GRCh38, 1-based): chr15:65,077,461, G>A. VCF-style: chr15-65077461-G-A. GRCh37 (hg19) VCF-style: chr15-65369799-G-A.
Other names: short protein forms G216S.
Identifiers: ClinVar variation 572083 (VCV000572083.9), dbSNP rs1052506752, ClinGen allele CA271503868.